The following is an entry in ClinVar:

NM_013447.4(ADGRE2):c.906+6G>A

Gene: ADGRE2 (adhesion G protein-coupled receptor E2; minus strand). Cytogenetic location: 19p13.12.
Variant type: single nucleotide variant.
Coding change: c.906+6G>A on transcript NM_013447.4 (MANE Select); 6 bases into the intron after coding-DNA position 906, G replaced by A.
Molecular consequence: intron variant.
Genome position (GRCh38, 1-based): chr19:14,765,314, C>T on the plus strand (G>A on the coding strand, the complement: ADGRE2 is on the minus strand). VCF-style: chr19-14765314-C-T. GRCh37 (hg19) VCF-style: chr19-14876126-C-T.
Other names: c.906+6G>A (NM_001271052.1).
Identifiers: ClinVar variation 2083622 (VCV002083622.4), dbSNP rs376138174, ClinGen allele CA9257864.
Genomic context (GRCh38, chr19:14,765,314, plus strand): 5'-CCCCAGGCCTCTGTGGGATGCAGCCACCTTCCTGCCTCGCCCCCTTGCCCTGGGTCCTGT[C>T]CTTACCTGGATGGTGTTATTGGCCAAGCCTGGCTTGTAGTCTCTGCCCAGGTCCTGGACT-3'

ClinVar aggregate classification (germline): Uncertain significance (1 of 4 stars; one submission).

Allele frequency attached by ClinVar (database versions not stated): gnomAD exomes below 0.00001; ExAC 0.00001; TOPMed 0.00001; ESP Exome Variant Server 0.00008.
gnomAD v4.1: 3 of 1,614,076 alleles (0.00019%); highest among the groups gnomAD compares: African/African-American, 0.0027%; no homozygotes.

Submission:

Labcorp Genetics (formerly Invitae), Labcorp
Classification: Uncertain significance. Last evaluated: 2024-10-26. Review status: criteria provided, single submitter. Criteria: Invitae Variant Classification Sherloc (09022015). Collection method: clinical testing. Allele origin: germline.
Comment: This sequence change falls in intron 10 of the ADGRE2 gene. It does not directly change the encoded amino acid sequence of the ADGRE2 protein. It affects a nucleotide within the consensus splice site. This variant is present in population databases (rs376138174, gnomAD 0.007%). This variant has not been reported in the literature in individuals affected with ADGRE2-related conditions. ClinVar contains an entry for this variant (Variation ID: 2083622). Variants that disrupt the consensus splice site are a relatively common cause of aberrant splicing (PMID: 17576681, 9536098). Algorithms developed to predict the effect of sequence changes on RNA splicing suggest that this variant is not likely to affect RNA splicing. In summary, the available evidence is currently insufficient to determine the role of this variant in disease. Therefore, it has been classified as a Variant of Uncertain Significance.

Literature cited by the submitters: PubMed 17576681; PubMed 9536098.